The following is an entry in ClinVar:

NC_000022.10:g.(?_18900668)_(19770565_?)dup

Genes: TBX1 (T-box transcription factor 1; plus strand), SEPTIN5 (septin 5; plus strand), PRODH (proline dehydrogenase 1; minus strand), TSSK2 (testis specific serine kinase 2; plus strand), ESS2 (ess-2 spliceosome associated protein; minus strand) and 11 more. Cytogenetic location: 22q11.21.
Variant type: Duplication.
Identifiers: ClinVar variation 832346 (VCV000832346.2).

ClinVar aggregate classification (germline): Uncertain significance (1 of 4 stars; one submission).

Conditions:
DiGeorge syndrome. Also called: THIRD AND FOURTH PHARYNGEAL POUCH SYNDROME; Catch22. Identifiers: Orphanet 567, MedGen C0012236, MONDO:0008564, OMIM 188400.

Submission:

Labcorp Genetics (formerly Invitae), Labcorp
Classification: Uncertain significance for DiGeorge sequence. Last evaluated: 2019-12-15. Review status: criteria provided, single submitter. Criteria: Invitae Variant Classification Sherloc (09022015). Collection method: clinical testing. Allele origin: germline.
Comment: This variant results in a copy number gain of the genomic region encompassing the full coding sequence of the TBX1 gene. The boundaries of this event are unknown as they extend beyond the assayed region for this gene and therefore may encompass additional genes. As the precise location of this event is unknown, it may be in tandem or it may be located elsewhere in the genome. Isolated whole-gene copy number gains of TBX1 have not been reported in the literature. However, larger copy number events that include this gene, also known as 22q11.2 duplications, have been reported in individuals affected with congenital heart defects (PMID: 25516202, 21921585). In summary, the available evidence is currently insufficient to determine the role of this variant in disease. Therefore, it has been classified as a Variant of Uncertain Significance.

Literature cited by the submitters: PubMed 25516202; PubMed 21921585.